The following is an entry in ClinVar:

ClinVar aggregate classification (germline): Uncertain significance (1 of 4 stars; one submission).

Conditions:
Autosomal recessive limb-girdle muscular dystrophy type R18 (LGMDR18). Also called: Autosomal recessive limb-girdle muscular dystrophy type 2S; Limb-girdle muscular dystrophy, type 2S; MUSCULAR DYSTROPHY, LIMB-GIRDLE, AUTOSOMAL RECESSIVE 18. Identifiers: Orphanet 369840, MedGen C4517996, MONDO:0014144, OMIM 615356.

gnomAD v4.1: 1 of 1,614,016 alleles (0.000062%); highest among the groups gnomAD compares: Admixed American, 0.0017%; no homozygotes.

Submission:

Labcorp Genetics (formerly Invitae), Labcorp
Classification: Uncertain significance for Autosomal recessive limb-girdle muscular dystrophy type R18. Last evaluated: 2021-05-26. Review status: criteria provided, single submitter. Criteria: Invitae Variant Classification Sherloc (09022015). Collection method: clinical testing. Allele origin: germline.
Comment: Algorithms developed to predict the effect of missense changes on protein structure and function are either unavailable or do not agree on the potential impact of this missense change (SIFT: "Tolerated"; PolyPhen-2: "Possibly Damaging"; Align-GVGD: "Class C0"). This sequence change replaces proline with threonine at codon 762 of the TRAPPC11 protein (p.Pro762Thr). The proline residue is highly conserved and there is a small physicochemical difference between proline and threonine. This variant is not present in population databases (ExAC no frequency). This variant has not been reported in the literature in individuals with TRAPPC11-related conditions. In summary, the available evidence is currently insufficient to determine the role of this variant in disease. Therefore, it has been classified as a Variant of Uncertain Significance.

NM_021942.6(TRAPPC11):c.2284C>A (p.Pro762Thr)

Genes: TRAPPC11 (trafficking protein particle complex subunit 11; plus strand), LOC126807238 (BRD4-independent group 4 enhancer GRCh37_chr4:184614366-184615565; plus strand). Cytogenetic location: 4q35.1.
Variant type: single nucleotide variant.
Coding change: c.2284C>A on transcript NM_021942.6 (MANE Select); coding-DNA position 2284, C replaced by A.
Protein change: p.Pro762Thr; replaces proline 762 with threonine.
Molecular consequence: missense variant.
Genome position (GRCh38, 1-based): chr4:183,693,635, C>A. VCF-style: chr4-183693635-C-A. GRCh37 (hg19) VCF-style: chr4-184614788-C-A.
Other names: c.2284C>A, p.Pro762Thr (NM_199053.3); short protein forms P762T.
Identifiers: ClinVar variation 1491997 (VCV001491997.7), dbSNP rs1375382372, ClinGen allele CA358871238.